The following is an entry in ClinVar:

NM_022124.6(CDH23):c.7504G>A (p.Val2502Ile)

Gene: CDH23 (cadherin related 23; plus strand). Cytogenetic location: 10q22.1.
Variant type: single nucleotide variant.
Coding change: c.7504G>A on transcript NM_022124.6 (MANE Select); coding-DNA position 7504, G replaced by A.
Protein change: p.Val2502Ile; replaces valine 2502 with isoleucine.
Molecular consequence: missense variant.
Genome position (GRCh38, 1-based): chr10:71,802,919, G>A. VCF-style: chr10-71802919-G-A. GRCh37 (hg19) VCF-style: chr10-73562676-G-A.
Other names: c.784G>A, p.Val262Ile (NM_001171933.1, NM_001171934.1); short protein forms V2502I, V262I.
Identifiers: ClinVar variation 3239507 (VCV003239507.19), dbSNP rs373816780.

ClinVar aggregate classification (germline): Uncertain significance (1 of 4 stars; one submission).

Allele frequency attached by ClinVar (database versions not stated): TOPMed below 0.00001; ExAC 0.00001; gnomAD exomes 0.00001; gnomAD 0.00002; ESP Exome Variant Server 0.00008.
gnomAD v4.1: 10 of 1,613,918 alleles (0.00062%); highest among the groups gnomAD compares: Non-Finnish European, 0.00076%; no homozygotes.

Submission:

CeGaT Center for Human Genetics Tuebingen
Classification: Uncertain significance. Last evaluated: 2024-05-01. Review status: criteria provided, single submitter. Criteria: CeGaT Center For Human Genetics Tuebingen Variant Classification Criteria Version 2. Collection method: clinical testing. Allele origin: germline. Affected: yes. Observed: 1 variant allele.
Comment: CDH23: PM2, BP4